The following is an entry in ClinVar:

NM_001369.3(DNAH5):c.1569C>G (p.Tyr523Ter)

Gene: DNAH5 (dynein axonemal heavy chain 5; minus strand). Cytogenetic location: 5p15.2.
Variant type: single nucleotide variant.
Coding change: c.1569C>G on transcript NM_001369.3 (MANE Select); coding-DNA position 1569, C replaced by G.
Protein change: p.Tyr523Ter; replaces tyrosine 523 with a stop codon.
Molecular consequence: nonsense.
Genome position (GRCh38, 1-based): chr5:13,911,461, G>C on the plus strand (C>G on the coding strand, the complement: DNAH5 is on the minus strand). VCF-style: chr5-13911461-G-C. GRCh37 (hg19) VCF-style: chr5-13911570-G-C.
Other names: c.1569C>G (NM_001369.2); short protein forms Y523*.
Identifiers: ClinVar variation 1443203 (VCV001443203.8), dbSNP rs2151977768, ClinGen allele CA359212040.

ClinVar aggregate classification (germline): Pathogenic/Likely pathogenic. Review status: criteria provided, multiple submitters, no conflicts (2 of 4 stars). 2 submissions from 2 submitters: Pathogenic (1); Likely pathogenic (1). Last evaluated 2025-12-30.

Conditions:
Primary ciliary dyskinesia. Also called: Ciliary dyskinesia. Identifiers: Orphanet 244, MedGen C0008780, MONDO:0016575, HP:0012265.

Submissions (2):

Natera, Inc.
Classification: Likely pathogenic for Primary ciliary dyskinesia. Last evaluated: 2025-12-30. Review status: criteria provided, single submitter. Criteria: Natera Variant Classification Schema (03/2026). Collection method: clinical testing. Allele origin: germline.
Comment: The c.1569C>G variant in DNAH5 is a nonsense variant predicted to introduce a stop codon at amino acid 523. This variant is expected to result in nonsense mediated decay, truncation, or a dysfunctional protein product. This variant is rare in the general population with a frequency below the threshold expected for the associated phenotype(s). Given the available evidence, this variant is classified as Likely Pathogenic.

Labcorp Genetics (formerly Invitae), Labcorp
Classification: Pathogenic for Primary ciliary dyskinesia. Last evaluated: 2022-06-20. Review status: criteria provided, single submitter. Criteria: Invitae Variant Classification Sherloc (09022015). Collection method: clinical testing. Allele origin: germline.
Comment: For these reasons, this variant has been classified as Pathogenic. This variant has not been reported in the literature in individuals affected with DNAH5-related conditions. This variant is not present in population databases (gnomAD no frequency). This sequence change creates a premature translational stop signal (p.Tyr523*) in the DNAH5 gene. It is expected to result in an absent or disrupted protein product. Loss-of-function variants in DNAH5 are known to be pathogenic (PMID: 11788826, 16627867).

Literature cited by the submitters: PubMed 11788826 (cited by Labcorp Genetics (formerly Invitae), Labcorp); PubMed 16627867 (cited by Labcorp Genetics (formerly Invitae), Labcorp).